The following is an entry in ClinVar:

NM_001029896.2(WDR45):c.340_341+2del

Gene: WDR45 (WD repeat domain 45; minus strand). Cytogenetic location: Xp11.23.
Variant type: Deletion.
Coding change: c.340_341+2del on transcript NM_001029896.2 (MANE Select); coding-DNA position 340 through the canonical splice donor site of the intron after coding-DNA position 341, 4 bases deleted (AAGT; older notation c.340_341+2delAAGT).
Molecular consequence: splice donor variant.
Genome position (GRCh38, 1-based): chrX:49,076,643-49,076,646, ACTT deleted on the plus strand (AAGT on the coding strand, the reverse complement: WDR45 is on the minus strand). VCF-style (leftmost placement, unchanged base first): chrX-49076642-CACTT-C. GRCh37 (hg19) VCF-style: chrX-48934301-CACTT-C.
Other names: c.343_344+2del (NM_007075.4).
Identifiers: ClinVar variation 1195397 (VCV001195397.35), dbSNP rs2147816494, ClinGen allele CA2499226760.

ClinVar aggregate classification (germline): Pathogenic. Review status: criteria provided, multiple submitters, no conflicts (2 of 4 stars). 2 submissions from 2 submitters: Pathogenic (2). Last evaluated 2022-01-01.

Submissions (2):

CeGaT Center for Human Genetics Tuebingen
Classification: Pathogenic. Last evaluated: 2022-01-01. Review status: criteria provided, single submitter. Criteria: CeGaT Center For Human Genetics Tuebingen Variant Classification Criteria Version 2. Collection method: clinical testing. Allele origin: germline. Affected: yes. Observed: 1 variant allele.

GeneDx
Classification: Pathogenic. Last evaluated: 2020-11-13. Review status: criteria provided, single submitter. Criteria: GeneDx Variant Classification Process June 2021. Collection method: clinical testing. Allele origin: germline. Affected: yes.
Comment: Canonical splice site variant predicted to result in a null allele in a gene for which loss-of-function is a known mechanism of disease; Not observed in large population cohorts (Lek et al., 2016); Has not been previously published as pathogenic or benign to our knowledge